The following is an entry in ClinVar:

ClinVar aggregate classification (germline): Likely benign (1 of 4 stars; one submission).

gnomAD v4.1: 6,890 of 1,613,876 alleles (0.43%); highest among the groups gnomAD compares: Non-Finnish European, 0.54%; 18 homozygotes.

Submission:

CeGaT Center for Human Genetics Tuebingen
Classification: Likely benign. Last evaluated: 2026-09-01. Review status: criteria provided, single submitter. Criteria: CeGaT Center For Human Genetics Tuebingen Variant Classification Criteria Version 2. Collection method: clinical testing. Allele origin: germline. Affected: yes. Observed: 3 variant alleles.
Comment: GPR17: BP4, BS2

NM_001161417.2(GPR17):c.45C>A (p.Phe15Leu)

Genes: GPR17 (G protein-coupled receptor 17; plus strand), LIMS2 (LIM zinc finger domain containing 2; minus strand). Cytogenetic location: 2q14.3.
Variant type: single nucleotide variant.
Coding change: c.45C>A on transcript NM_001161417.2 (MANE Select); coding-DNA position 45, C replaced by A.
Protein change: p.Phe15Leu; replaces phenylalanine 15 with leucine.
Molecular consequence: missense variant. On other transcripts: intron variant (4).
Genome position (GRCh38, 1-based): chr2:127,650,780, C>A. VCF-style: chr2-127650780-C-A. GRCh37 (hg19) VCF-style: chr2-128408354-C-A.
Other names: c.45C>A, p.Phe15Leu (NM_001161416.2); c.129C>A, p.Phe43Leu (NM_005291.3, NM_001161415.2); c.344+3644G>T (NM_001161404.2); c.359+3644G>T (NM_001161403.3); c.425+3644G>T (NM_001136037.4); c.431+3644G>T (NM_017980.5); short protein forms F15L, F43L.
Identifiers: ClinVar variation 3770656 (VCV003770656.13).